The following is an entry in ClinVar:

ClinVar aggregate classification (germline): Uncertain significance (1 of 4 stars; one submission).

Submission:

GeneDx
Classification: Uncertain significance. Last evaluated: 2026-03-27. Review status: criteria provided, single submitter. Criteria: GeneDx Variant Classification Process June 2021. Collection method: clinical testing. Allele origin: germline.
Comment: Frameshift variant predicted to result in protein truncation or nonsense mediated decay in a gene or region of a gene for which loss of function is not a well-established mechanism of disease; Not observed at significant frequency in large population cohorts (gnomAD); Has not been previously published as pathogenic or benign to our knowledge

NM_001080421.3(UNC13A):c.692del (p.Pro231fs)

Gene: UNC13A (unc-13 homolog A; minus strand). Cytogenetic location: 19p13.11.
Variant type: Deletion.
Coding change: c.692del on transcript NM_001080421.3 (MANE Select); coding-DNA position 692, one base deleted (C; older notation c.692delC).
Protein change: p.Pro231fs; shifts the reading frame from proline 231.
Molecular consequence: frameshift variant.
Genome position (GRCh38, 1-based): chr19:17,658,137, G deleted on the plus strand (C on the coding strand, the reverse complement: UNC13A is on the minus strand); the first of 2 consecutive G bases (chr19:17,658,137-17,658,138); deleting either gives the same sequence. VCF-style (leftmost placement, unchanged base first): chr19-17658136-TG-T. GRCh37 (hg19) VCF-style: chr19-17768945-TG-T.
Other names: c.692del, p.Pro231fs (NM_001387021.1, NM_001387022.1, NM_001387023.1); short protein forms P231fs.
Identifiers: ClinVar variation 5017344 (VCV005017344.1).